The following is an entry in ClinVar:

NM_015087.5(SPART):c.709G>T (p.Gly237Trp)

Gene: SPART (spartin; minus strand). Cytogenetic location: 13q13.3.
Variant type: single nucleotide variant.
Coding change: c.709G>T on transcript NM_015087.5 (MANE Select); coding-DNA position 709, G replaced by T.
Protein change: p.Gly237Trp; replaces glycine 237 with tryptophan.
Molecular consequence: missense variant.
Genome position (GRCh38, 1-based): chr13:36,335,122, C>A on the plus strand (G>T on the coding strand, the complement: SPART is on the minus strand). VCF-style: chr13-36335122-C-A. GRCh37 (hg19) VCF-style: chr13-36909259-C-A.
Other names: c.709G>T, p.Gly237Trp (NM_001142294.2, NM_001142295.2, NM_001142296.2); short protein forms G237W.
Identifiers: ClinVar variation 655832 (VCV000655832.1), dbSNP rs147028573, ClinGen allele CA248174161.

ClinVar aggregate classification (germline): Uncertain significance (1 of 4 stars; one submission).

Allele frequency attached by ClinVar (database versions not stated): gnomAD exomes below 0.00001; TOPMed 0.00001; ESP Exome Variant Server 0.00008.
gnomAD v4.1: 4 of 1,614,154 alleles (0.00025%); highest among the groups gnomAD compares: Non-Finnish European, 0.00025%; no homozygotes.

Submission:

Labcorp Genetics (formerly Invitae), Labcorp
Classification: Uncertain significance. Last evaluated: 2018-11-30. Review status: criteria provided, single submitter. Criteria: Invitae Variant Classification Sherloc (09022015). Collection method: clinical testing. Allele origin: germline.
Comment: This sequence change replaces glycine with tryptophan at codon 237 of the SPART protein (p.Gly237Trp). The glycine residue is highly conserved and there is a large physicochemical difference between glycine and tryptophan. This variant is not present in population databases (ExAC no frequency). This variant has not been reported in the literature in individuals with SPART-related conditions. Algorithms developed to predict the effect of missense changes on protein structure and function are either unavailable or do not agree on the potential impact of this missense change (SIFT: "Deleterious"; PolyPhen-2: "Probably Damaging"; Align-GVGD: "Class C15"). In summary, the available evidence is currently insufficient to determine the role of this variant in disease. Therefore, it has been classified as a Variant of Uncertain Significance.